The following is an entry in ClinVar:

ClinVar aggregate classification (germline): Uncertain significance (1 of 4 stars; one submission).

gnomAD v4.1: 11 of 1,613,582 alleles (0.00068%); highest among the groups gnomAD compares: Non-Finnish European, 0.00093%; no homozygotes.

Submission:

Labcorp Genetics (formerly Invitae), Labcorp
Classification: Uncertain significance. Last evaluated: 2025-05-22. Review status: criteria provided, single submitter. Criteria: Invitae Variant Classification Sherloc (09022015). Collection method: clinical testing. Allele origin: germline.
Comment: This sequence change affects codon 1230 of the STAG1 mRNA. It is a 'silent' change, meaning that it does not change the encoded amino acid sequence of the STAG1 protein. This variant is present in population databases (rs371093379, gnomAD 0.002%). This variant has not been reported in the literature in individuals affected with STAG1-related conditions. ClinVar contains an entry for this variant (Variation ID: 3684601). Algorithms developed to predict the effect of sequence changes on RNA splicing suggest that this variant may disrupt the consensus splice site. In summary, the available evidence is currently insufficient to determine the role of this variant in disease. Therefore, it has been classified as a Variant of Uncertain Significance.

NM_005862.3(STAG1):c.3688C>A (p.Arg1230=)

Gene: STAG1 (STAG1 cohesin complex component; minus strand). Cytogenetic location: 3q22.3.
Variant type: single nucleotide variant.
Coding change: c.3688C>A on transcript NM_005862.3 (MANE Select); coding-DNA position 3688, C replaced by A.
Protein change: p.Arg1230=; no amino-acid change (arginine 1230 retained).
Molecular consequence: synonymous variant.
Genome position (GRCh38, 1-based): chr3:136,338,435, G>T on the plus strand (C>A on the coding strand, the complement: STAG1 is on the minus strand). VCF-style: chr3-136338435-G-T. GRCh37 (hg19) VCF-style: chr3-136057277-G-T.
Identifiers: ClinVar variation 3684601 (VCV003684601.2).
Genomic context (GRCh38, chr3:136,338,435, plus strand): 5'-CATCTTCTATGATAGCTGCAGAGTCAAAGAAGTCTGGCCTTAGCTCAGCTCTCTCTCGCC[G>T]ATTTCTTGATGGAGGCTGGAAAGAGAAATCGGTTTCTTAATTTTTTTCTGAGATCATTAA-3'
Protein context (NP_005853.2, residues 1220-1240): MVIDLPPSRN[Arg1230=]RERAELRPDF